The following is an entry in ClinVar:

NM_001040108.2(MLH3):c.3568C>A (p.Gln1190Lys)

Gene: MLH3 (mutL homolog 3; minus strand). Cytogenetic location: 14q24.3.
Variant type: single nucleotide variant.
Coding change: c.3568C>A on transcript NM_001040108.2 (MANE Select); coding-DNA position 3568, C replaced by A.
Protein change: p.Gln1190Lys; replaces glutamine 1190 with lysine.
Molecular consequence: missense variant.
Genome position (GRCh38, 1-based): chr14:75,039,913, G>T on the plus strand (C>A on the coding strand, the complement: MLH3 is on the minus strand). VCF-style: chr14-75039913-G-T. GRCh37 (hg19) VCF-style: chr14-75506616-G-T.
Other names: c.3568C>A, p.Gln1190Lys (NM_014381.3); short protein forms Q1190K.
Identifiers: ClinVar variation 410887 (VCV000410887.11), dbSNP rs779651509, ClinGen allele CA7275452.

ClinVar aggregate classification (germline): Uncertain significance. Review status: criteria provided, multiple submitters, no conflicts (2 of 4 stars). 3 submissions from 3 submitters: Uncertain significance (3). Last evaluated 2025-04-18.

Conditions:
Colorectal cancer, hereditary nonpolyposis, type 7. Identifiers: Orphanet 144, MedGen C1858380, MONDO:0013725, OMIM 614385.

Allele frequency attached by ClinVar (database versions not stated): gnomAD exomes 0.00001 and 0.00002; ExAC 0.00002; gnomAD 0.00002 and 0.00004.
gnomAD v4.1: 24 of 1,348,930 alleles (0.0018%); highest among the groups gnomAD compares: South Asian, 0.023%; no homozygotes.

Submissions (3):

Ambry Genetics
Classification: Uncertain significance. Last evaluated: 2025-04-18. Review status: criteria provided, single submitter. Criteria: Ambry Variant Classification Scheme 2023. Collection method: clinical testing. Allele origin: germline.
Comment: The p.Q1190K variant (also known as c.3568C>A), located in coding exon 4 of the MLH3 gene, results from a C to A substitution at nucleotide position 3568. The glutamine at codon 1190 is replaced by lysine, an amino acid with similar properties. This amino acid position is not well conserved in available vertebrate species. In addition, this alteration is predicted to be tolerated by in silico analysis. Since supporting evidence is limited at this time, the clinical significance of this alteration remains unclear.

Center for Genomic Medicine, Rigshospitalet, Copenhagen University Hospital
Classification: Uncertain significance. Last evaluated: 2025-03-04. Review status: criteria provided, single submitter. Criteria: ACMG Guidelines, 2015. Collection method: clinical testing. Allele origin: germline.

Labcorp Genetics (formerly Invitae), Labcorp
Classification: Uncertain significance for Colorectal cancer, hereditary nonpolyposis, type 7. Last evaluated: 2024-02-22. Review status: criteria provided, single submitter. Criteria: Invitae Variant Classification Sherloc (09022015). Collection method: clinical testing. Allele origin: germline.
Comment: This sequence change replaces glutamine, which is neutral and polar, with lysine, which is basic and polar, at codon 1190 of the MLH3 protein (p.Gln1190Lys). This variant is present in population databases (rs779651509, gnomAD 0.01%). This variant has not been reported in the literature in individuals affected with MLH3-related conditions. ClinVar contains an entry for this variant (Variation ID: 410887). An algorithm developed to predict the effect of missense changes on protein structure and function (PolyPhen-2) suggests that this variant is likely to be tolerated. In summary, the available evidence is currently insufficient to determine the role of this variant in disease. Therefore, it has been classified as a Variant of Uncertain Significance.